The following is an entry in ClinVar:

ClinVar aggregate classification (germline): Conflicting classifications of pathogenicity. Review status: criteria provided, conflicting classifications (1 of 4 stars). 3 submissions from 3 submitters: Uncertain significance (2); Benign (1). Last evaluated 2025-11-17.

Conditions:
Tuberous sclerosis 2 (TSC2). Identifiers: Orphanet 805, MedGen C1860707, MONDO:0013199, OMIM 613254.
Lymphangiomyomatosis (LAM). Also called: Lymphangioleiomyomatosis; Lymphangioleiomyomatosis, somatic. Identifiers: Orphanet 538, MedGen C0751674, MONDO:0011705, OMIM 606690.
Isolated focal cortical dysplasia type II (FCORD2). Also called: Focal cortical dysplasia type II; CORTICAL DYSPLASIA OF TAYLOR. Identifiers: Orphanet 268994, MedGen C1846385, MONDO:0011818, OMIM 607341, HP:0032051.
Hereditary cancer-predisposing syndrome. Also called: Hereditary Cancer Syndrome; Tumor predisposition; Neoplastic Syndromes, Hereditary; Hereditary neoplastic syndrome. Identifiers: Orphanet 140162, MedGen C0027672, MeSH D009386, MONDO:0015356.

gnomAD v4.1: 3 of 1,613,094 alleles (0.00019%); highest among the groups gnomAD compares: Non-Finnish European, 0.00017%; no homozygotes.

Submissions (3):

Ambry Genetics
Classification: Uncertain significance for Hereditary cancer-predisposing syndrome. Last evaluated: 2025-11-17. Review status: criteria provided, single submitter. Criteria: Ambry Variant Classification Scheme 2023. Collection method: clinical testing. Allele origin: germline.
Comment: The p.E968D variant (also known as c.2904G>C), located in coding exon 25 of the TSC2 gene, results from a G to C substitution at nucleotide position 2904. The glutamic acid at codon 968 is replaced by aspartic acid, an amino acid with highly similar properties. This amino acid position is not well conserved in available vertebrate species. In addition, the in silico prediction for this alteration is inconclusive. Based on the available evidence, the clinical significance of this variant remains unclear.

Labcorp Genetics (formerly Invitae), Labcorp
Classification: Benign for Tuberous sclerosis 2. Last evaluated: 2023-08-19. Review status: criteria provided, single submitter. Criteria: Invitae Variant Classification Sherloc (09022015). Collection method: clinical testing. Allele origin: germline.

Fulgent Genetics
Classification: Uncertain significance for Lymphangiomyomatosis; Isolated focal cortical dysplasia type II; Tuberous sclerosis 2. Last evaluated: 2022-03-17. Review status: criteria provided, single submitter. Criteria: ACMG Guidelines, 2015. Collection method: clinical testing. Allele origin: unknown.

NM_000548.5(TSC2):c.2904G>C (p.Glu968Asp)

Gene: TSC2 (TSC complex subunit 2; plus strand). Cytogenetic location: 16p13.3.
Variant type: single nucleotide variant.
Coding change: c.2904G>C on transcript NM_000548.5 (MANE Select); coding-DNA position 2904, G replaced by C.
Protein change: p.Glu968Asp; replaces glutamic acid 968 with aspartic acid.
Molecular consequence: missense variant. On other transcripts: intron variant (9).
Genome position (GRCh38, 1-based): chr16:2,077,664, G>C. VCF-style: chr16-2077664-G-C. GRCh37 (hg19) VCF-style: chr16-2127665-G-C.
Other names: c.2904G>C, p.Glu968Asp (NM_001114382.3); c.2837+1079G>C (NM_021055.3, NM_001370405.1, NM_001363528.2 and 2 more transcripts); c.2726+1079G>C (NM_001318827.2); c.2237+1079G>C (NM_001318831.2); c.2690+1079G>C (NM_001318829.2); c.2870+1079G>C (NM_001318832.2); short protein forms E968D.
Identifiers: ClinVar variation 652818 (VCV000652818.13), dbSNP rs765438249, ClinGen allele CA042638.